The following is an entry in ClinVar:

NM_001365276.2(TNXB):c.310A>G (p.Arg104Gly)

Gene: TNXB (tenascin XB; minus strand). Cytogenetic location: 6p21.33.
Variant type: single nucleotide variant.
Coding change: c.310A>G on transcript NM_001365276.2 (MANE Select); coding-DNA position 310, A replaced by G.
Protein change: p.Arg104Gly; replaces arginine 104 with glycine.
Molecular consequence: missense variant.
Genome position (GRCh38, 1-based): chr6:32,097,889, T>C on the plus strand (A>G on the coding strand, the complement: TNXB is on the minus strand). VCF-style: chr6-32097889-T-C. GRCh37 (hg19) VCF-style: chr6-32065666-T-C.
Other names: c.310A>G, p.Arg104Gly (NM_019105.8); short protein forms R104G.
Identifiers: ClinVar variation 1304319 (VCV001304319.2), dbSNP rs774066587, ClinGen allele CA3735869.

ClinVar aggregate classification (germline): Uncertain significance (1 of 4 stars; one submission).

Allele frequency attached by ClinVar (database versions not stated): TOPMed below 0.00001; gnomAD exomes 0.00001 and 0.00002; ExAC 0.00002.
gnomAD v4.1: 5 of 1,578,028 alleles (0.00032%); highest among the groups gnomAD compares: Admixed American, 0.0068%; no homozygotes.

Submission:

GeneDx
Classification: Uncertain significance. Last evaluated: 2019-10-10. Review status: criteria provided, single submitter. Criteria: GeneDx Variant Classification Process June 2021. Collection method: clinical testing. Allele origin: germline. Affected: yes.
Comment: Has not been previously published as pathogenic or benign to our knowledge; Not observed at a significant frequency in large population cohorts (Lek et al., 2016); In silico analysis, which includes protein predictors and evolutionary conservation, supports a deleterious effect